The following is an entry in ClinVar:

NM_032043.3(BRIP1):c.1380T>C (p.Asp460=)

Gene: BRIP1 (BRCA1 interacting DNA helicase 1; minus strand). Cytogenetic location: 17q23.2.
Variant type: single nucleotide variant.
Coding change: c.1380T>C on transcript NM_032043.3 (MANE Select); coding-DNA position 1380, T replaced by C.
Protein change: p.Asp460=; no amino-acid change (aspartic acid 460 retained).
Molecular consequence: synonymous variant.
Genome position (GRCh38, 1-based): chr17:61,793,690, A>G on the plus strand (T>C on the coding strand, the complement: BRIP1 is on the minus strand). VCF-style: chr17-61793690-A-G. GRCh37 (hg19) VCF-style: chr17-59871051-A-G.
Identifiers: ClinVar variation 389740 (VCV000389740.18), dbSNP rs758735370, ClinGen allele CA8690746.

ClinVar aggregate classification (germline): Benign/Likely benign. Review status: criteria provided, multiple submitters, no conflicts (2 of 4 stars). 5 submissions from 5 submitters: Benign (1); Likely benign (4). Last evaluated 2025-04-07.

Conditions:
Familial cancer of breast. Also called: BREAST CANCER, FAMILIAL; hereditary breast carcinoma; Hereditary breast cancer. Identifiers: Orphanet 227535, MedGen C0346153, MONDO:0016419, OMIM 114480. Disease mechanism: loss of function.
Fanconi anemia complementation group J. Also called: BRIP1-Related Fanconi Anemia. Identifiers: Orphanet 84, MedGen C1836860, MONDO:0012187, OMIM 609054.
Hereditary cancer-predisposing syndrome. Also called: Neoplastic Syndromes, Hereditary; Hereditary neoplastic syndrome; Tumor predisposition; Hereditary Cancer Syndrome. Identifiers: Orphanet 140162, MedGen C0027672, MeSH D009386, MONDO:0015356.

Allele frequency attached by ClinVar (database versions not stated): gnomAD exomes below 0.00001; TOPMed below 0.00001; ExAC 0.00001.
gnomAD v4.1: 1 of 1,610,782 alleles (0.000062%); highest among the groups gnomAD compares: African/African-American, 0.0013%; no homozygotes.

Submissions (5):

Labcorp Genetics (formerly Invitae), Labcorp
Classification: Likely benign for Familial cancer of breast; Fanconi anemia complementation group J. Last evaluated: 2025-04-07. Review status: criteria provided, single submitter. Criteria: Invitae Variant Classification Sherloc (09022015). Collection method: clinical testing. Allele origin: germline.

Myriad Genetics, Inc.
Classification: Benign for Familial cancer of breast. Last evaluated: 2024-08-27. Review status: criteria provided, single submitter. Criteria: Myriad Autosomal Dominant, Autosomal Recessive and X-Linked Classification Criteria (2023). Collection method: clinical testing. Allele origin: unknown.
Comment: This variant is considered benign. This variant is a silent/synonymous amino acid change and it is not expected to impact splicing.

Color Diagnostics, LLC DBA Color Health
Classification: Likely benign for Hereditary cancer-predisposing syndrome. Last evaluated: 2019-11-11. Review status: criteria provided, single submitter. Criteria: ACMG Guidelines, 2015. Collection method: clinical testing. Allele origin: germline.

GeneDx
Classification: Likely benign. Last evaluated: 2016-09-28. Review status: criteria provided, single submitter. Criteria: GeneDx Variant Classification (06012015). Collection method: clinical testing. Allele origin: germline. Affected: yes.
Comment: This variant is considered likely benign or benign based on one or more of the following criteria: it is a conservative change, it occurs at a poorly conserved position in the protein, it is predicted to be benign by multiple in silico algorithms, and/or has population frequency not consistent with disease.

Ambry Genetics
Classification: Likely benign for Hereditary cancer-predisposing syndrome. Last evaluated: 2016-07-11. Review status: criteria provided, single submitter. Criteria: Ambry Variant Classification Scheme 2023. Collection method: clinical testing. Allele origin: germline.